The following is an entry in ClinVar:

ClinVar aggregate classification (germline): Uncertain significance (1 of 4 stars; one submission).

Conditions:
Early-infantile DEE. Also called: Early infantile epileptic encephalopathy; Ohtahara syndrome; Early infantile epileptic encephalopathy with suppression bursts. Identifiers: Orphanet 1934, MedGen C0393706, MONDO:0800491.

Submission:

Labcorp Genetics (formerly Invitae), Labcorp
Classification: Uncertain significance for Early-infantile DEE. Last evaluated: 2024-02-24. Review status: criteria provided, single submitter. Criteria: Invitae Variant Classification Sherloc (09022015). Collection method: clinical testing. Allele origin: germline.
Comment: This sequence change replaces phenylalanine, which is neutral and non-polar, with leucine, which is neutral and non-polar, at codon 1431 of the SCN1A protein (p.Phe1431Leu). This variant is not present in population databases (gnomAD no frequency). This variant has not been reported in the literature in individuals affected with SCN1A-related conditions. ClinVar contains an entry for this variant (Variation ID: 2015187). Advanced modeling of protein sequence and biophysical properties (such as structural, functional, and spatial information, amino acid conservation, physicochemical variation, residue mobility, and thermodynamic stability) performed at Invitae indicates that this missense variant is expected to disrupt SCN1A protein function with a positive predictive value of 95%. In summary, the available evidence is currently insufficient to determine the role of this variant in disease. Therefore, it has been classified as a Variant of Uncertain Significance.

NM_001165963.4(SCN1A):c.4293C>A (p.Phe1431Leu)

Genes: SCN1A (sodium voltage-gated channel alpha subunit 1; minus strand), LOC102724058 (uncharacterized LOC102724058; plus strand). Cytogenetic location: 2q24.3.
Variant type: single nucleotide variant.
Coding change: c.4293C>A on transcript NM_001165963.4 (MANE Select); coding-DNA position 4293, C replaced by A.
Protein change: p.Phe1431Leu; replaces phenylalanine 1431 with leucine.
Molecular consequence: missense variant. On other transcripts: non-coding transcript variant (1).
Genome position (GRCh38, 1-based): chr2:165,999,768, G>T on the plus strand (C>A on the coding strand, the complement: SCN1A is on the minus strand). VCF-style: chr2-165999768-G-T. GRCh37 (hg19) VCF-style: chr2-166856278-G-T.
Other names: c.4209C>A, p.Phe1403Leu (NM_001165964.3, NM_001353957.2, NM_001353958.2); c.4293C>A, p.Phe1431Leu (NM_001202435.3, NM_001353948.2); c.4260C>A, p.Phe1420Leu (NM_001353949.2, NM_001353950.2, NM_001353951.2 and 2 more transcripts); c.4257C>A, p.Phe1419Leu (NM_001353954.2, NM_001353955.2); c.4206C>A, p.Phe1402Leu (NM_001353960.2); c.1851C>A, p.Phe617Leu (NM_001353961.2); short protein forms F1403L, F617L, F1420L, F1431L, F1402L, F1419L.
Identifiers: ClinVar variation 2015187 (VCV002015187.4), dbSNP rs376295459, ClinGen allele CA349049627.